The following is an entry in ClinVar:

ClinVar aggregate classification (germline): Uncertain significance. Review status: criteria provided, multiple submitters, no conflicts (2 of 4 stars). 2 submissions from 2 submitters: Uncertain significance (2). Last evaluated 2018-04-16.

Conditions:
Hereditary cancer-predisposing syndrome. Also called: Neoplastic Syndromes, Hereditary; Tumor predisposition; Hereditary Cancer Syndrome; Hereditary neoplastic syndrome. Identifiers: Orphanet 140162, MedGen C0027672, MeSH D009386, MONDO:0015356.
Ataxia-telangiectasia-like disorder (ATLD). Identifiers: MedGen C1858391, MONDO:0011457.

gnomAD v4.1: 1 of 1,465,688 alleles (0.000068%); highest among the groups gnomAD compares: Non-Finnish European, 0.000095%; no homozygotes.

Submissions (2):

Labcorp Genetics (formerly Invitae), Labcorp
Classification: Uncertain significance for Ataxia-telangiectasia-like disorder. Last evaluated: 2018-04-16. Review status: criteria provided, single submitter. Criteria: Invitae Variant Classification Sherloc (09022015). Collection method: clinical testing. Allele origin: germline.
Comment: This variant has not been reported in the literature in individuals with MRE11-related disease. ClinVar contains an entry for this variant (Variation ID: 233595). Algorithms developed to predict the effect of missense changes on protein structure and function do not agree on the potential impact of this missense change (SIFT: "Deleterious"; PolyPhen-2: "Possibly Damaging"; Align-GVGD: "Class C0"). In summary, the available evidence is currently insufficient to determine the role of this variant in disease. Therefore, it has been classified as a Variant of Uncertain Significance. This variant is not present in population databases (ExAC no frequency). This sequence change replaces asparagine with lysine at codon 11 of the MRE11 protein (p.Asn11Lys). The asparagine residue is weakly conserved and there is a moderate physicochemical difference between asparagine and lysine.

Ambry Genetics
Classification: Uncertain significance for Hereditary cancer-predisposing syndrome. Last evaluated: 2015-08-12. Review status: criteria provided, single submitter. Criteria: Ambry Variant Classification Scheme 2023. Collection method: clinical testing. Allele origin: germline.
Comment: The p.N11K variant (also known as c.33C>A), located in coding exon 2 of the MRE11A gene, results from a C to A substitution at nucleotide position 33. The asparagine at codon 11 is replaced by lysine, an amino acid with similar properties. This variant was not reported in population based cohorts in the following databases: Database of Single Nucleotide Polymorphisms (dbSNP), NHLBI Exome Sequencing Project (ESP), and 1000 Genomes Project. In the ESP, this variant was not observed in 6496 samples (12992 alleles) with coverage at this position. To date, this alteration has been detected with an allele frequency of approximately 0.002% (greater than 65000 alleles tested) in our clinical cohort. This amino acid position is not well conserved in available vertebrate species. In addition, this alteration is predicted to be tolerated by in silico analysis. Since supporting evidence is limited at this time, the clinical significance of p.N11K remains unclear.

NM_005591.4(MRE11):c.33C>A (p.Asn11Lys)

Gene: MRE11 (MRE11 double strand break repair nuclease; minus strand). Cytogenetic location: 11q21.
Variant type: single nucleotide variant.
Coding change: c.33C>A on transcript NM_005591.4 (MANE Select); coding-DNA position 33, C replaced by A.
Protein change: p.Asn11Lys; replaces asparagine 11 with lysine.
Molecular consequence: missense variant.
Genome position (GRCh38, 1-based): chr11:94,490,953, G>T on the plus strand (C>A on the coding strand, the complement: MRE11 is on the minus strand). VCF-style: chr11-94490953-G-T. GRCh37 (hg19) VCF-style: chr11-94224119-G-T.
Other names: c.33C>A, p.Asn11Lys (NM_001330347.2, NM_005590.4); short protein forms N11K.
Identifiers: ClinVar variation 233595 (VCV000233595.14), dbSNP rs746088302, ClinGen allele CA10579427.